The following is an entry in ClinVar:

ClinVar aggregate classification (germline): Uncertain significance (0 of 4 stars; one submission).

Conditions:
CDH23-related disorder. Also called: CDH23-related disorders; CDH23-related condition.

Allele frequency attached by ClinVar (database versions not stated): TOPMed below 0.00001.

Submission:

PreventionGenetics, part of Exact Sciences
Classification: Uncertain significance for CDH23-related condition. Last evaluated: 2024-02-22. Review status: no assertion criteria provided. Collection method: clinical testing. Allele origin: germline.
Comment: The CDH23 c.2059G>A variant is predicted to result in the amino acid substitution p.Gly687Arg. To our knowledge, this variant has not been reported in the literature or in a large population database, indicating this variant is rare. At this time, the clinical significance of this variant is uncertain due to the absence of conclusive functional and genetic evidence.

NM_022124.6(CDH23):c.2059G>A (p.Gly687Arg)

Gene: CDH23 (cadherin related 23; plus strand). Cytogenetic location: 10q22.1.
Variant type: single nucleotide variant.
Coding change: c.2059G>A on transcript NM_022124.6 (MANE Select); coding-DNA position 2059, G replaced by A.
Protein change: p.Gly687Arg; replaces glycine 687 with arginine.
Molecular consequence: missense variant.
Genome position (GRCh38, 1-based): chr10:71,687,719, G>A. VCF-style: chr10-71687719-G-A. GRCh37 (hg19) VCF-style: chr10-73447476-G-A.
Other names: c.2059G>A, p.Gly687Arg (NM_001171930.2, NM_001171931.2); short protein forms G687R.
Identifiers: ClinVar variation 3061382 (VCV003061382.2), dbSNP rs1864965277, ClinGen allele CA377133524.